The following is an entry in ClinVar:

ClinVar aggregate classification (germline): Uncertain significance. Review status: criteria provided, multiple submitters, no conflicts (2 of 4 stars). 2 submissions from 2 submitters: Uncertain significance (2). Last evaluated 2026-03-19.

Conditions:
Hereditary cancer-predisposing syndrome. Also called: Tumor predisposition; Hereditary neoplastic syndrome; Neoplastic Syndromes, Hereditary; Hereditary Cancer Syndrome. Identifiers: Orphanet 140162, MedGen C0027672, MeSH D009386, MONDO:0015356.
Cardiovascular phenotype. Identifiers: MedGen CN230736.
Neurofibromatosis, type 1 (NF1). Also called: Neurofibromatosis, type I; Peripheral type neurofibromatosis; VON RECKLINGHAUSEN DISEASE; NEUROFIBROMATOSIS, TYPE I, SOMATIC. Identifiers: Orphanet 636, MedGen C0027831, MONDO:0018975, OMIM 162200. Disease mechanism: loss of function.

Submissions (2):

Ambry Genetics
Classification: Uncertain significance for Cardiovascular phenotype; Hereditary cancer-predisposing syndrome. Last evaluated: 2026-03-19. Review status: criteria provided, single submitter. Criteria: Ambry Variant Classification Scheme 2023. Collection method: clinical testing. Allele origin: germline.
Comment: The p.Y1401N variant (also known as c.4201T>A), located in coding exon 31 of the NF1 gene, results from a T to A substitution at nucleotide position 4201. The tyrosine at codon 1401 is replaced by asparagine, an amino acid with dissimilar properties. This amino acid position is highly conserved in available vertebrate species. In addition, this alteration is predicted to be deleterious by in silico analysis. Based on the available evidence, the clinical significance of this variant remains unclear.

Labcorp Genetics (formerly Invitae), Labcorp
Classification: Uncertain significance for Neurofibromatosis, type 1. Last evaluated: 2024-01-11. Review status: criteria provided, single submitter. Criteria: Invitae Variant Classification Sherloc (09022015). Collection method: clinical testing. Allele origin: germline.
Comment: This sequence change replaces tyrosine, which is neutral and polar, with asparagine, which is neutral and polar, at codon 1401 of the NF1 protein (p.Tyr1401Asn). This variant is not present in population databases (gnomAD no frequency). This variant has not been reported in the literature in individuals affected with NF1-related conditions. Advanced modeling of protein sequence and biophysical properties (such as structural, functional, and spatial information, amino acid conservation, physicochemical variation, residue mobility, and thermodynamic stability) performed at Invitae indicates that this missense variant is expected to disrupt NF1 protein function with a positive predictive value of 95%. In summary, the available evidence is currently insufficient to determine the role of this variant in disease. Therefore, it has been classified as a Variant of Uncertain Significance.

NM_001042492.3(NF1):c.4264T>A (p.Tyr1422Asn)

Gene: NF1 (neurofibromin 1; plus strand). Cytogenetic location: 17q11.2.
Variant type: single nucleotide variant.
Coding change: c.4264T>A on transcript NM_001042492.3 (MANE Select); coding-DNA position 4264, T replaced by A.
Protein change: p.Tyr1422Asn; replaces tyrosine 1422 with asparagine.
Molecular consequence: missense variant.
Genome position (GRCh38, 1-based): chr17:31,258,434, T>A. VCF-style: chr17-31258434-T-A. GRCh37 (hg19) VCF-style: chr17-29585452-T-A.
Other names: c.4201T>A, p.Tyr1401Asn (NM_000267.4); short protein forms Y1422N, Y1401N.
Identifiers: ClinVar variation 2708876 (VCV002708876.4), dbSNP rs17884349, ClinGen allele CA398997937.